The following is an entry in ClinVar:

ClinVar aggregate classification (germline): Uncertain significance (1 of 4 stars; one submission).

gnomAD v4.1: 55 of 1,543,550 alleles (0.0036%); highest among the groups gnomAD compares: Non-Finnish European, 0.0047%; no homozygotes.

Submission:

Women's Health and Genetics/Laboratory Corporation of America, LabCorp
Classification: Uncertain significance. Last evaluated: 2025-11-06. Review status: criteria provided, single submitter. Criteria: LabCorp Variant Classification Summary - May 2015. Collection method: clinical testing. Allele origin: germline.
Comment: Variant summary: GABRB1 c.*7T>C is located in the untranslated mRNA region downstream of the termination codon. The variant allele was found at a frequency of 1e-05 in 200934 control chromosomes. The available data on variant occurrences in the general population are insufficient to allow any conclusion about variant significance. To our knowledge, no occurrence of c.*7T>C in individuals affected with GABRB1-related conditions and no experimental evidence demonstrating its impact on protein function have been reported. No submitters have cited clinical-significance assessments for this variant to ClinVar. Based on the evidence outlined above, the variant was classified as uncertain significance.

NM_000812.4(GABRB1):c.*7T>C

Gene: GABRB1 (gamma-aminobutyric acid type A receptor subunit beta1; plus strand). Cytogenetic location: 4p12.
Variant type: single nucleotide variant.
Coding change: c.*7T>C on transcript NM_000812.4 (MANE Select); 7 bases downstream of the stop codon, T replaced by C.
Molecular consequence: 3 prime UTR variant.
Genome position (GRCh38, 1-based): chr4:47,426,025, T>C. VCF-style: chr4-47426025-T-C. GRCh37 (hg19) VCF-style: chr4-47428042-T-C.
Identifiers: ClinVar variation 4537019 (VCV004537019.1).